The following is an entry in ClinVar:

ClinVar aggregate classification (germline): Benign. Review status: criteria provided, multiple submitters, no conflicts (2 of 4 stars). 3 submissions from 3 submitters: Benign (3). Last evaluated 2026-06-01.

Allele frequency attached by ClinVar (database versions not stated): 1000 Genomes Project 30x 0.00312; 1000 Genomes Project 0.00379; ESP Exome Variant Server 0.00623; TOPMed 0.00641; gnomAD exomes 0.00758; gnomAD 0.00778 and 0.00815; ExAC 0.00780.

Submissions (3):

CeGaT Center for Human Genetics Tuebingen
Classification: Benign. Last evaluated: 2026-06-01. Review status: criteria provided, single submitter. Criteria: CeGaT Center For Human Genetics Tuebingen Variant Classification Criteria Version 2. Collection method: clinical testing. Allele origin: germline. Affected: yes. Observed: 15 variant alleles.
Comment: CARS1: BP4, BS1, BS2

Labcorp Genetics (formerly Invitae), Labcorp
Classification: Benign. Last evaluated: 2018-04-26. Review status: criteria provided, single submitter. Criteria: Invitae Variant Classification Sherloc (09022015). Collection method: clinical testing. Allele origin: germline.

Breakthrough Genomics
Classification: Benign. Review status: criteria provided, single submitter. Criteria: ACMG Guidelines, 2015. Collection method: not provided. Allele origin: germline. Inheritance: Autosomal recessive inheritance. Affected: yes.

NM_001014437.3(CARS1):c.853C>T (p.Leu285Phe)

Gene: CARS1 (cysteinyl-tRNA synthetase 1; minus strand). Cytogenetic location: 11p15.4.
Variant type: single nucleotide variant.
Coding change: c.853C>T on transcript NM_001014437.3 (MANE Select); coding-DNA position 853, C replaced by T.
Protein change: p.Leu285Phe; replaces leucine 285 with phenylalanine.
Molecular consequence: missense variant. On other transcripts: non-coding transcript variant (1).
Genome position (GRCh38, 1-based): chr11:3,029,392, G>A on the plus strand (C>T on the coding strand, the complement: CARS1 is on the minus strand). VCF-style: chr11-3029392-G-A. GRCh37 (hg19) VCF-style: chr11-3050622-G-A.
Other names: c.853C>T, p.Leu285Phe (NM_001194997.2); c.604C>T, p.Leu202Phe (NM_001751.6, NM_139273.4); short protein forms L202F, L285F.
Identifiers: ClinVar variation 731546 (VCV000731546.26), dbSNP rs148335154, ClinGen allele CA5824228.